The following is an entry in ClinVar:

ClinVar aggregate classification (germline): Uncertain significance (1 of 4 stars; one submission).

Submission:

Labcorp Genetics (formerly Invitae), Labcorp
Classification: Uncertain significance. Last evaluated: 2022-09-02. Review status: criteria provided, single submitter. Criteria: Invitae Variant Classification Sherloc (09022015). Collection method: clinical testing. Allele origin: germline.
Comment: In summary, the available evidence is currently insufficient to determine the role of this variant in disease. Therefore, it has been classified as a Variant of Uncertain Significance. Algorithms developed to predict the effect of missense changes on protein structure and function are either unavailable or do not agree on the potential impact of this missense change (SIFT: "Deleterious"; PolyPhen-2: "Benign"; Align-GVGD: "Class C15"). This variant has not been reported in the literature in individuals affected with AGBL5-related conditions. This variant is not present in population databases (gnomAD no frequency). This sequence change replaces phenylalanine, which is neutral and non-polar, with leucine, which is neutral and non-polar, at codon 268 of the AGBL5 protein (p.Phe268Leu).

NM_021831.6(AGBL5):c.804C>G (p.Phe268Leu)

Gene: AGBL5 (AGBL carboxypeptidase 5; plus strand). Cytogenetic location: 2p23.3.
Variant type: single nucleotide variant.
Coding change: c.804C>G on transcript NM_021831.6 (MANE Select); coding-DNA position 804, C replaced by G.
Protein change: p.Phe268Leu; replaces phenylalanine 268 with leucine.
Molecular consequence: missense variant. On other transcripts: non-coding transcript variant (2).
Genome position (GRCh38, 1-based): chr2:27,055,149, C>G. VCF-style: chr2-27055149-C-G. GRCh37 (hg19) VCF-style: chr2-27278017-C-G.
Other names: c.804C>G, p.Phe268Leu (NM_001035506.1, NM_001035507.3); short protein forms F268L.
Identifiers: ClinVar variation 2104377 (VCV002104377.4), dbSNP rs2465454905, ClinGen allele CA346175385.